The following is an entry in ClinVar:

NM_001267550.2(TTN):c.35270_35292del (p.Pro11757fs)

Gene: TTN (titin; minus strand). Cytogenetic location: 2q31.2.
Variant type: Deletion.
Coding change: c.35270_35292del on transcript NM_001267550.2 (MANE Select); coding-DNA positions 35270 to 35292, 23 bases deleted (CCACTAAAGTTGTTCCTCGAAAA).
Protein change: p.Pro11757fs; shifts the reading frame from proline 11757.
Molecular consequence: frameshift variant. On other transcripts: intron variant (3).
Genome position (GRCh38, 1-based): chr2:178,671,106-178,671,128, TTTTCGAGGAACAACTTTAGTGG deleted on the plus strand (CCACTAAAGTTGTTCCTCGAAAA on the coding strand, the reverse complement: TTN is on the minus strand). VCF-style (leftmost placement, unchanged base first): chr2-178671105-CTTTTCGAGGAACAACTTTAGTGG-C. GRCh37 (hg19) VCF-style: chr2-179535832-CTTTTCGAGGAACAACTTTAGTGG-C.
Other names: c.34148_34170del, p.Pro11383fs (NM_001256850.1); c.31367_31389del, p.Pro10456fs (NM_133378.4); c.13283-28811_13283-28789del (NM_003319.4); c.13859-28811_13859-28789del (NM_133437.4); c.13658-28811_13658-28789del (NM_133432.3); short protein forms P10456fs, P11383fs, P11757fs.
Identifiers: ClinVar variation 4855442 (VCV004855442.1).

ClinVar aggregate classification (germline): Likely pathogenic (1 of 4 stars; one submission).

Conditions:
Early-onset myopathy with fatal cardiomyopathy (CMYO5). Also called: Salih Myopathy; CONGENITAL MYOPATHY 5 WITH CARDIOMYOPATHY. Identifiers: Orphanet 289377, MedGen C2673677, MONDO:0012714, OMIM 611705. Disease mechanism: loss of function.

Submission:

3billion
Classification: Likely pathogenic for Early-onset myopathy with fatal cardiomyopathy. Last evaluated: 2025-07-03. Review status: criteria provided, single submitter. Criteria: ACMG Guidelines, 2015. Collection method: clinical testing. Allele origin: germline. Affected: yes.
Comment: The variant is not observed in the gnomAD v4.1.0 dataset. Predicted Consequence/Location: Frameshift: predicted to result in a loss or disruption of normal protein function through nonsense-mediated decay (NMD) or protein truncation. Multiple pathogenic variants are reported downstream of the variant. Therefore, this variant is classified as Likely pathogenic according to the recommendation of ACMG/AMP guideline.